The following is an entry in ClinVar:

NM_004795.4(KL):c.2089T>A (p.Tyr697Asn)

Gene: KL (klotho; plus strand). Cytogenetic location: 13q13.1.
Variant type: single nucleotide variant.
Coding change: c.2089T>A on transcript NM_004795.4 (MANE Select); coding-DNA position 2089, T replaced by A.
Protein change: p.Tyr697Asn; replaces tyrosine 697 with asparagine.
Molecular consequence: missense variant.
Genome position (GRCh38, 1-based): chr13:33,061,168, T>A. VCF-style: chr13-33061168-T-A. GRCh37 (hg19) VCF-style: chr13-33635305-T-A.
Other names: short protein forms Y697N.
Identifiers: ClinVar variation 2070249 (VCV002070249.4), dbSNP rs139375994, ClinGen allele CA247531877.

ClinVar aggregate classification (germline): Uncertain significance (1 of 4 stars; one submission).

gnomAD v4.1: 1 of 1,614,226 alleles (0.000062%); highest among the groups gnomAD compares: Non-Finnish European, 0.000085%; no homozygotes.

Submission:

Labcorp Genetics (formerly Invitae), Labcorp
Classification: Uncertain significance. Last evaluated: 2024-10-22. Review status: criteria provided, single submitter. Criteria: Invitae Variant Classification Sherloc (09022015). Collection method: clinical testing. Allele origin: germline.
Comment: This sequence change replaces tyrosine, which is neutral and polar, with asparagine, which is neutral and polar, at codon 697 of the KL protein (p.Tyr697Asn). This variant is not present in population databases (gnomAD no frequency). This variant has not been reported in the literature in individuals affected with KL-related conditions. ClinVar contains an entry for this variant (Variation ID: 2070249). Invitae Evidence Modeling of protein sequence and biophysical properties (such as structural, functional, and spatial information, amino acid conservation, physicochemical variation, residue mobility, and thermodynamic stability) indicates that this missense variant is not expected to disrupt KL protein function with a negative predictive value of 80%. In summary, the available evidence is currently insufficient to determine the role of this variant in disease. Therefore, it has been classified as a Variant of Uncertain Significance.